The following is an entry in ClinVar:

ClinVar aggregate classification (germline): Uncertain significance. Review status: criteria provided, multiple submitters, no conflicts (2 of 4 stars). 3 submissions from 3 submitters: Uncertain significance (2). 1 of the submissions does not count toward it. Last evaluated 2022-07-01.

Conditions:
Cardiomyopathy (CMYO). Also called: Cardiomyopathies. Identifiers: Orphanet 167848, MedGen C0878544, MONDO:0004994, HP:0001638. Inheritance: Various modes of inheritance.
Duchenne muscular dystrophy (DMD). Also called: MUSCULAR DYSTROPHY, PSEUDOHYPERTROPHIC PROGRESSIVE, DUCHENNE TYPE; Duchenne Muscular Dystrophy (DMD). Identifiers: Orphanet 98896, MedGen C0013264, MONDO:0010679, OMIM 310200.
Becker muscular dystrophy (BMD). Also called: Becker Muscular Dystrophy (BMD); MUSCULAR DYSTROPHY, PSEUDOHYPERTROPHIC PROGRESSIVE, BECKER TYPE. Identifiers: Orphanet 98895, MedGen C0917713, MONDO:0010311, OMIM 300376.
Dystrophin deficiency.
Cardiovascular phenotype. Identifiers: MedGen CN230736.

Allele frequency attached by ClinVar (database versions not stated): gnomAD below 0.00001 and 0.00001; gnomAD exomes below 0.00001.
gnomAD v4.1: 2 of 1,207,788 alleles (0.00017%); highest among the groups gnomAD compares: South Asian, 0.0018%; no homozygotes.

Submissions (3):

Labcorp Genetics (formerly Invitae), Labcorp
Classification: Uncertain significance for Duchenne muscular dystrophy. Last evaluated: 2022-07-01. Review status: criteria provided, single submitter. Criteria: Invitae Variant Classification Sherloc (09022015). Collection method: clinical testing. Allele origin: germline.
Comment: This sequence change replaces leucine, which is neutral and non-polar, with phenylalanine, which is neutral and non-polar, at codon 2023 of the DMD protein (p.Leu2023Phe). This variant is not present in population databases (gnomAD no frequency). This variant has not been reported in the literature in individuals affected with DMD-related conditions. ClinVar contains an entry for this variant (Variation ID: 225066). Algorithms developed to predict the effect of missense changes on protein structure and function are either unavailable or do not agree on the potential impact of this missense change (SIFT: "Deleterious"; PolyPhen-2: "Possibly Damaging"; Align-GVGD: "Class C15"). In summary, the available evidence is currently insufficient to determine the role of this variant in disease. Therefore, it has been classified as a Variant of Uncertain Significance.

Ambry Genetics
Classification: Uncertain significance for Cardiovascular phenotype. Last evaluated: 2017-08-24. Review status: criteria provided, single submitter. Criteria: Ambry Variant Classification Scheme 2023. Collection method: clinical testing. Allele origin: germline.
Comment: The p.L2023F variant (also known as c.6067C>T), located in coding exon 42 of the DMD gene, results from a C to T substitution at nucleotide position 6067. The leucine at codon 2023 is replaced by phenylalanine, an amino acid with highly similar properties. This amino acid position is highly conserved in available vertebrate species; however, phenylalanine is the reference amino acid in other vertebrate species. In addition, this alteration is predicted to be tolerated by in silico analysis. Since supporting evidence is limited at this time, the clinical significance of this alteration remains unclear.

Natera, Inc.
Classification: Uncertain significance for Becker muscular dystrophy; Cardiomyopathy; Duchenne muscular dystrophy; Dystrophin deficiency. Last evaluated: 2020-05-18. Review status: no assertion criteria provided. Collection method: clinical testing. Allele origin: germline. Not counted in ClinVar's aggregate classification.

NM_004006.3(DMD):c.6067C>T (p.Leu2023Phe)

Gene: DMD (dystrophin; minus strand). Cytogenetic location: Xp21.1.
Variant type: single nucleotide variant.
Coding change: c.6067C>T on transcript NM_004006.3 (MANE Select); coding-DNA position 6067, C replaced by T.
Protein change: p.Leu2023Phe; replaces leucine 2023 with phenylalanine.
Molecular consequence: missense variant.
Genome position (GRCh38, 1-based): chrX:32,310,132, G>A on the plus strand (C>T on the coding strand, the complement: DMD is on the minus strand). VCF-style: chrX-32310132-G-A. GRCh37 (hg19) VCF-style: chrX-32328249-G-A.
Other names: c.6043C>T, p.Leu2015Phe (NM_000109.4); c.6055C>T, p.Leu2019Phe (NM_004009.3); c.5698C>T, p.Leu1900Phe (NM_004010.3); c.2044C>T, p.Leu682Phe (NM_004011.4); c.2035C>T, p.Leu679Phe (NM_004012.4); short protein forms L2023F, L682F, L2015F, L1900F, L2019F, L679F.
Identifiers: ClinVar variation 225066 (VCV000225066.10), dbSNP rs869312948, ClinGen allele CA358199.